The following is an entry in ClinVar:

ClinVar aggregate classification (germline): Likely benign (1 of 4 stars; one submission).

Conditions:
TTN-related disorder. Also called: TTN-related disorders; TTN-related condition; TTN-related disease.

gnomAD v4.1: 2 of 1,612,896 alleles (0.00012%); highest among the groups gnomAD compares: Non-Finnish European, 0.00017%; no homozygotes.

Submission:

PreventionGenetics, part of Exact Sciences
Classification: Likely benign for TTN-related condition. Last evaluated: 2025-08-19. Review status: criteria provided, single submitter. Criteria: ACMG Guidelines, 2015. Collection method: clinical testing. Allele origin: germline.
Comment: This variant is classified as likely benign based on ACMG/AMP sequence variant interpretation guidelines (Richards et al. 2015 PMID: 25741868, with internal and published modifications).

NM_001267550.2(TTN):c.11311+2043A>G

Gene: TTN (titin; minus strand). Cytogenetic location: 2q31.2.
Variant type: single nucleotide variant.
Coding change: c.11311+2043A>G on transcript NM_001267550.2 (MANE Select); 2043 bases into the intron after coding-DNA position 11311, A replaced by G.
Molecular consequence: intron variant. On other transcripts: synonymous variant (1).
Genome position (GRCh38, 1-based): chr2:178,751,081, T>C on the plus strand (A>G on the coding strand, the complement: TTN is on the minus strand). VCF-style: chr2-178751081-T-C. GRCh37 (hg19) VCF-style: chr2-179615808-T-C.
Other names: c.11319A>G, p.Pro3773= (NM_133379.5); c.10222+2043A>G (NM_003319.4); c.10798+2043A>G (NM_133437.4); c.10597+2043A>G (NM_133432.3); c.10360+2043A>G (NM_133378.4, NM_001256850.1).
Identifiers: ClinVar variation 4997121 (VCV004997121.1).
Genomic context (GRCh38, chr2:178,751,081, plus strand): 5'-AAAGCTTGTGGGAAGTTCCTCAGATTCTATATTTTGATCCATTTGATTAGAAAGGGCATG[T>C]GGATTTTGCACAATACTCTCAGCTGAATGATCTACCTTATAACTTTCAGCTAGATCAGAC-3'